The following is an entry in ClinVar:

ClinVar aggregate classification (germline): Uncertain significance (1 of 4 stars; one submission).

Submission:

GeneDx
Classification: Uncertain significance. Last evaluated: 2021-05-24. Review status: criteria provided, single submitter. Criteria: GeneDx Variant Classification Process June 2021. Collection method: clinical testing. Allele origin: germline. Affected: yes.
Comment: Not observed at significant frequency in large population cohorts (Lek et al., 2016); In silico analysis supports that this missense variant does not alter protein structure/function; Has not been previously published as pathogenic or benign to our knowledge

NM_001415.4(EIF2S3):c.929T>A (p.Met310Lys)

Gene: EIF2S3 (eukaryotic translation initiation factor 2 subunit gamma; plus strand). Cytogenetic location: Xp22.11.
Variant type: single nucleotide variant.
Coding change: c.929T>A on transcript NM_001415.4 (MANE Select); coding-DNA position 929, T replaced by A.
Protein change: p.Met310Lys; replaces methionine 310 with lysine.
Molecular consequence: missense variant.
Genome position (GRCh38, 1-based): chrX:24,068,025, T>A. VCF-style: chrX-24068025-T-A. GRCh37 (hg19) VCF-style: chrX-24086142-T-A.
Other names: short protein forms M310K.
Identifiers: ClinVar variation 1326510 (VCV001326510.2), dbSNP rs2147129295, ClinGen allele CA412597526.